The following is an entry in ClinVar:

ClinVar aggregate classification (germline): Uncertain significance (1 of 4 stars; one submission).

gnomAD v4.1: 1 of 1,568,918 alleles (0.000064%); highest among the groups gnomAD compares: Non-Finnish European, 0.000087%; no homozygotes.

Submission:

GeneDx
Classification: Uncertain significance. Last evaluated: 2025-04-28. Review status: criteria provided, single submitter. Criteria: GeneDx Variant Classification Process June 2021. Collection method: clinical testing. Allele origin: germline. Affected: yes.
Comment: Not observed at significant frequency in large population cohorts (gnomAD); In silico analysis supports that this missense variant has a deleterious effect on protein structure/function; Has not been previously published as pathogenic or benign to our knowledge

NM_018896.5(CACNA1G):c.1126A>T (p.Ile376Phe)

Gene: CACNA1G (calcium voltage-gated channel subunit alpha1 G; plus strand). Cytogenetic location: 17q21.33.
Variant type: single nucleotide variant.
Coding change: c.1126A>T on transcript NM_018896.5 (MANE Select); coding-DNA position 1126, A replaced by T.
Protein change: p.Ile376Phe; replaces isoleucine 376 with phenylalanine.
Molecular consequence: missense variant. On other transcripts: non-coding transcript variant (5).
Genome position (GRCh38, 1-based): chr17:50,573,099, A>T. VCF-style: chr17-50573099-A-T. GRCh37 (hg19) VCF-style: chr17-48650460-A-T.
Other names: c.1126A>T, p.Ile376Phe (NM_001256324.2, NM_001256325.2, NM_001256326.2 and 24 more transcripts); short protein forms I376F.
Identifiers: ClinVar variation 4527412 (VCV004527412.1).